The following is an entry in ClinVar:

NM_001040108.2(MLH3):c.2155T>C (p.Trp719Arg)

Gene: MLH3 (mutL homolog 3; minus strand). Cytogenetic location: 14q24.3.
Variant type: single nucleotide variant.
Coding change: c.2155T>C on transcript NM_001040108.2 (MANE Select); coding-DNA position 2155, T replaced by C.
Protein change: p.Trp719Arg; replaces tryptophan 719 with arginine.
Molecular consequence: missense variant.
Genome position (GRCh38, 1-based): chr14:75,047,501, A>G on the plus strand (T>C on the coding strand, the complement: MLH3 is on the minus strand). VCF-style: chr14-75047501-A-G. GRCh37 (hg19) VCF-style: chr14-75514204-A-G.
Other names: c.2155T>C, p.Trp719Arg (NM_014381.3); short protein forms W719R.
Identifiers: ClinVar variation 1786812 (VCV001786812.3), dbSNP rs2503277199, ClinGen allele CA390441444.

ClinVar aggregate classification (germline): Uncertain significance (1 of 4 stars; one submission).

Submission:

Ambry Genetics
Classification: Uncertain significance. Last evaluated: 2025-09-20. Review status: criteria provided, single submitter. Criteria: Ambry Variant Classification Scheme 2023. Collection method: clinical testing. Allele origin: germline.
Comment: The p.W719R variant (also known as c.2155T>C), located in coding exon 1 of the MLH3 gene, results from a T to C substitution at nucleotide position 2155. The tryptophan at codon 719 is replaced by arginine, an amino acid with dissimilar properties. This amino acid position is conserved. In addition, this alteration is predicted to be tolerated by in silico analysis. Since supporting evidence is limited at this time, the clinical significance of this alteration remains unclear.